The following is an entry in ClinVar:

NM_006231.4(POLE):c.1632_1633dup (p.Glu545fs)

Gene: POLE (DNA polymerase epsilon, catalytic subunit; minus strand). Cytogenetic location: 12q24.33.
Variant type: Duplication.
Coding change: c.1632_1633dup on transcript NM_006231.4 (MANE Select); coding-DNA positions 1632 to 1633, 2 bases duplicated (GG; older notation c.1632_1633dupGG).
Protein change: p.Glu545fs; shifts the reading frame from glutamic acid 545.
Molecular consequence: frameshift variant.
Genome position (GRCh38, 1-based): chr12:132,672,680-132,672,681, CC duplicated on the plus strand (GG on the coding strand, the reverse complement: POLE is on the minus strand). VCF-style (leftmost placement, unchanged base first): chr12-132672679-T-TCC. GRCh37 (hg19) VCF-style: chr12-133249265-T-TCC.
Other names: c.1632_1633dupGG (NM_006231.2); short protein forms E545fs.
Identifiers: ClinVar variation 2028058 (VCV002028058.5), dbSNP rs2542134326, ClinGen allele CA2580085999.

ClinVar aggregate classification (germline): Conflicting classifications of pathogenicity. Review status: criteria provided, conflicting classifications (1 of 4 stars). 2 submissions from 2 submitters: Pathogenic (1); Uncertain significance (1). Last evaluated 2025-04-14.

Conditions:
Hereditary cancer-predisposing syndrome. Also called: Hereditary Cancer Syndrome; Tumor predisposition; Neoplastic Syndromes, Hereditary; Hereditary neoplastic syndrome. Identifiers: Orphanet 140162, MedGen C0027672, MeSH D009386, MONDO:0015356.

Submissions (2):

Ambry Genetics
Classification: Uncertain significance for Hereditary cancer-predisposing syndrome. Last evaluated: 2025-04-14. Review status: criteria provided, single submitter. Criteria: Ambry Variant Classification Scheme 2023. Collection method: clinical testing. Allele origin: germline.
Comment: The c.1632_1633dupGG variant, located in coding exon 15 of the POLE gene, results from a duplication of GG at nucleotide position 1632, causing a translational frameshift with a predicted alternate stop codon (p.E545Gfs*19). This alteration is expected to result in loss of function by premature protein truncation or nonsense-mediated mRNA decay. Although biallelic loss of function of POLE has been associated with autosomal recessive POLE deficiency, haploinsufficiency of POLE has not been established as a mechanism of disease for POLE-related polymerase proofreading-associated polyposis (PPAP) and POLE-related CMMRD-like syndrome. Based on the supporting evidence, this variant is expected to be causative of POLE deficiency when present along with a second pathogenic variant on the other allele; however, its clinical significance for PPAP and POLE-related CMMRD-like syndrome is unclear.

Labcorp Genetics (formerly Invitae), Labcorp
Classification: Pathogenic. Last evaluated: 2022-10-14. Review status: criteria provided, single submitter. Criteria: Invitae Variant Classification Sherloc (09022015). Collection method: clinical testing. Allele origin: germline.
Comment: For these reasons, this variant has been classified as Pathogenic. This variant has not been reported in the literature in individuals affected with POLE-related conditions. This variant is not present in population databases (gnomAD no frequency). This sequence change creates a premature translational stop signal (p.Glu545Glyfs*19) in the POLE gene. It is expected to result in an absent or disrupted protein product. Loss-of-function variants in POLE are known to be pathogenic (PMID: 23230001, 25948378, 30503519).

Literature cited by the submitters: PubMed 23230001 (cited by Labcorp Genetics (formerly Invitae), Labcorp); PubMed 25948378 (cited by Labcorp Genetics (formerly Invitae), Labcorp); PubMed 30503519 (cited by Labcorp Genetics (formerly Invitae), Labcorp).